The following is an entry in ClinVar:

NM_001122752.2(SERPINI1):c.1066+4_1066+5del

Gene: SERPINI1 (serpin family I member 1; plus strand). Cytogenetic location: 3q26.1.
Variant type: Deletion.
Coding change: c.1066+4_1066+5del on transcript NM_001122752.2 (MANE Select); bases 4 to 5 of the intron after coding-DNA position 1066, 2 bases deleted (CT; older notation c.1066+4_1066+5delCT).
Molecular consequence: intron variant.
Genome position (GRCh38, 1-based): chr3:167,823,076-167,823,077, CT deleted. VCF-style (leftmost placement, unchanged base first): chr3-167823075-ACT-A. GRCh37 (hg19) VCF-style: chr3-167540863-ACT-A.
Other names: c.1066+4_1066+5del (NM_005025.5).
Identifiers: ClinVar variation 4701575 (VCV004701575.1).

ClinVar aggregate classification (germline): Uncertain significance (1 of 4 stars; one submission).

Conditions:
Familial encephalopathy with neuroserpin inclusion bodies. Also called: ENCEPHALOPATHY, FAMILIAL, WITH COLLINS BODIES. Identifiers: Orphanet 85110, MedGen C1858680, MONDO:0011412, OMIM 604218.

Submission:

Labcorp Genetics (formerly Invitae), Labcorp
Classification: Uncertain significance for Familial encephalopathy with neuroserpin inclusion bodies. Last evaluated: 2025-12-16. Review status: criteria provided, single submitter. Criteria: Invitae Variant Classification Sherloc (09022015). Collection method: clinical testing. Allele origin: germline.
Comment: This sequence change falls in intron 7 of the SERPINI1 gene. It does not directly change the encoded amino acid sequence of the SERPINI1 protein. It affects a nucleotide within the consensus splice site. This variant is present in population databases (rs767597126, gnomAD 0.0009%). This variant has not been reported in the literature in individuals affected with SERPINI1-related conditions. Variants that disrupt the consensus splice site are a relatively common cause of aberrant splicing (PMID: 17576681, 9536098). Algorithms developed to predict the effect of sequence changes on RNA splicing suggest that this variant is not likely to affect RNA splicing. In summary, the available evidence is currently insufficient to determine the role of this variant in disease. Therefore, it has been classified as a Variant of Uncertain Significance.

Literature cited by the submitters: PubMed 17576681; PubMed 9536098.